The following is an entry in ClinVar:

ClinVar aggregate classification (germline): Uncertain significance (1 of 4 stars; one submission).

Conditions:
Ullrich congenital muscular dystrophy 2 (UCMD2). Identifiers: Orphanet 75840, MedGen C4225314, MONDO:0014654, OMIM 616470.
Bethlem myopathy 2 (BTHLM2). Identifiers: Orphanet 536516, Orphanet 610, MedGen C4225313, MONDO:0034022, OMIM 616471.

Allele frequency attached by ClinVar (database versions not stated): gnomAD 0.00001.
gnomAD v4.1: 2 of 1,613,270 alleles (0.00012%); highest among the groups gnomAD compares: African/African-American, 0.0013%; no homozygotes.

Submission:

Labcorp Genetics (formerly Invitae), Labcorp
Classification: Uncertain significance for Bethlem myopathy 2; Ullrich congenital muscular dystrophy 2. Last evaluated: 2023-05-24. Review status: criteria provided, single submitter. Criteria: Invitae Variant Classification Sherloc (09022015). Collection method: clinical testing. Allele origin: germline.
Comment: Advanced modeling of protein sequence and biophysical properties (such as structural, functional, and spatial information, amino acid conservation, physicochemical variation, residue mobility, and thermodynamic stability) performed at Invitae indicates that this missense variant is not expected to disrupt COL12A1 protein function. This variant has not been reported in the literature in individuals affected with COL12A1-related conditions. This variant is not present in population databases (gnomAD no frequency). This sequence change replaces isoleucine, which is neutral and non-polar, with valine, which is neutral and non-polar, at codon 1821 of the COL12A1 protein (p.Ile1821Val). In summary, the available evidence is currently insufficient to determine the role of this variant in disease. Therefore, it has been classified as a Variant of Uncertain Significance.

NM_004370.6(COL12A1):c.5461A>G (p.Ile1821Val)

Gene: COL12A1 (collagen type XII alpha 1 chain; minus strand). Cytogenetic location: 6q13.
Variant type: single nucleotide variant.
Coding change: c.5461A>G on transcript NM_004370.6 (MANE Select); coding-DNA position 5461, A replaced by G.
Protein change: p.Ile1821Val; replaces isoleucine 1821 with valine.
Molecular consequence: missense variant.
Genome position (GRCh38, 1-based): chr6:75,134,789, T>C on the plus strand (A>G on the coding strand, the complement: COL12A1 is on the minus strand). VCF-style: chr6-75134789-T-C. GRCh37 (hg19) VCF-style: chr6-75844505-T-C.
Other names: c.5461A>G, p.Ile1821Val (NM_001424113.1); c.5440A>G, p.Ile1814Val (NM_001424114.1); c.5188A>G, p.Ile1730Val (NM_001424115.1); c.1969A>G, p.Ile657Val (NM_001424116.1, NM_080645.3); short protein forms I1821V, I1814V, I1730V, I657V.
Identifiers: ClinVar variation 2927524 (VCV002927524.3), dbSNP rs2533295363, ClinGen allele CA364736282.